The following is an entry in ClinVar:

ClinVar aggregate classification (germline): Uncertain significance (1 of 4 stars; one submission).

gnomAD v4.1: 1 of 1,589,196 alleles (0.000063%); highest among the groups gnomAD compares: Non-Finnish European, 0.000086%; no homozygotes.

Submission:

Women's Health and Genetics/Laboratory Corporation of America, LabCorp
Classification: Uncertain significance. Last evaluated: 2024-05-06. Review status: criteria provided, single submitter. Criteria: LabCorp Variant Classification Summary - May 2015. Collection method: clinical testing. Allele origin: germline.
Comment: Variant summary: AHDC1 c.4673C>T (p.Pro1558Leu) results in a non-conservative amino acid change in the encoded protein sequence. Three of five in-silico tools predict a benign effect of the variant on protein function. The variant allele was found at a frequency of 4.2e-06 in 239832 control chromosomes. The available data on variant occurrences in the general population are insufficient to allow any conclusion about variant significance. To our knowledge, no occurrence of c.4673C>T in individuals affected with Xia-Gibbs Syndrome and no experimental evidence demonstrating its impact on protein function have been reported. No submitters have cited clinical-significance assessments for this variant to ClinVar. Based on the evidence outlined above, the variant was classified as uncertain significance.

NM_001371928.1(AHDC1):c.4673C>T (p.Pro1558Leu)

Gene: AHDC1 (AT-hook DNA binding motif containing 1; minus strand). Cytogenetic location: 1p36.11.
Variant type: single nucleotide variant.
Coding change: c.4673C>T on transcript NM_001371928.1 (MANE Select); coding-DNA position 4673, C replaced by T.
Protein change: p.Pro1558Leu; replaces proline 1558 with leucine.
Molecular consequence: missense variant.
Genome position (GRCh38, 1-based): chr1:27,547,443, G>A on the plus strand (C>T on the coding strand, the complement: AHDC1 is on the minus strand). VCF-style: chr1-27547443-G-A. GRCh37 (hg19) VCF-style: chr1-27873954-G-A.
Other names: c.4673C>T, p.Pro1558Leu (NM_001029882.3); short protein forms P1558L.
Identifiers: ClinVar variation 3336165 (VCV003336165.1).